The following is an entry in ClinVar:

NM_198503.5(KCNT2):c.972T>A (p.His324Gln)

Gene: KCNT2 (potassium sodium-activated channel subfamily T member 2; minus strand). Cytogenetic location: 1q31.3.
Variant type: single nucleotide variant.
Coding change: c.972T>A on transcript NM_198503.5 (MANE Select); coding-DNA position 972, T replaced by A.
Protein change: p.His324Gln; replaces histidine 324 with glutamine.
Molecular consequence: missense variant. On other transcripts: non-coding transcript variant (2).
Genome position (GRCh38, 1-based): chr1:196,428,117, A>T on the plus strand (T>A on the coding strand, the complement: KCNT2 is on the minus strand). VCF-style: chr1-196428117-A-T. GRCh37 (hg19) VCF-style: chr1-196397247-A-T.
Other names: c.972T>A, p.His324Gln (NM_001287819.3, NM_001287820.3); short protein forms H324Q.
Identifiers: ClinVar variation 4536448 (VCV004536448.1).

ClinVar aggregate classification (germline): Uncertain significance (1 of 4 stars; one submission).

Submission:

GeneDx
Classification: Uncertain significance. Last evaluated: 2025-06-06. Review status: criteria provided, single submitter. Criteria: GeneDx Variant Classification Process June 2021. Collection method: clinical testing. Allele origin: germline. Affected: yes.
Comment: Not observed at significant frequency in large population cohorts (gnomAD); In silico analysis supports that this missense variant has a deleterious effect on protein structure/function; Has not been previously published as pathogenic or benign to our knowledge